The following is an entry in ClinVar:

ClinVar aggregate classification (germline): Uncertain significance (1 of 4 stars; one submission).

Conditions:
Inborn genetic diseases. Identifiers: MedGen C0950123, MeSH D030342.

Submission:

Ambry Genetics
Classification: Uncertain significance for Inborn genetic diseases. Last evaluated: 2023-11-28. Review status: criteria provided, single submitter. Criteria: Ambry Variant Classification Scheme 2023. Collection method: clinical testing. Allele origin: germline.
Comment: The p.M2458T variant (also known as c.7373T>C), located in coding exon 49 of the LRRK2 gene, results from a T to C substitution at nucleotide position 7373. The methionine at codon 2458 is replaced by threonine, an amino acid with similar properties. This amino acid position is conserved. In addition, the in silico prediction for this alteration is inconclusive. Since supporting evidence is limited at this time, the clinical significance of this alteration remains unclear.

NM_198578.4(LRRK2):c.7373T>C (p.Met2458Thr)

Gene: LRRK2 (leucine rich repeat kinase 2; plus strand). Cytogenetic location: 12q12.
Variant type: single nucleotide variant.
Coding change: c.7373T>C on transcript NM_198578.4 (MANE Select); coding-DNA position 7373, T replaced by C.
Protein change: p.Met2458Thr; replaces methionine 2458 with threonine.
Molecular consequence: missense variant.
Genome position (GRCh38, 1-based): chr12:40,365,033, T>C. VCF-style: chr12-40365033-T-C. GRCh37 (hg19) VCF-style: chr12-40758835-T-C.
Other names: short protein forms M2458T.
Identifiers: ClinVar variation 3229787 (VCV003229787.1), dbSNP rs2500038880, ClinGen allele CA384415342.